The following is an entry in ClinVar:

NM_002055.5(GFAP):c.197G>C (p.Arg66Pro)

Gene: GFAP (glial fibrillary acidic protein; minus strand). Cytogenetic location: 17q21.31.
Variant type: single nucleotide variant.
Coding change: c.197G>C on transcript NM_002055.5 (MANE Select); coding-DNA position 197, G replaced by C.
Protein change: p.Arg66Pro; replaces arginine 66 with proline.
Molecular consequence: missense variant.
Genome position (GRCh38, 1-based): chr17:44,915,290, C>G on the plus strand (G>C on the coding strand, the complement: GFAP is on the minus strand). VCF-style: chr17-44915290-C-G. GRCh37 (hg19) VCF-style: chr17-42992658-C-G.
Other names: c.197G>C, p.Arg66Pro (NM_001131019.3, NM_001242376.3, NM_001363846.2); short protein forms R66P.
Identifiers: ClinVar variation 372607 (VCV000372607.1), dbSNP rs797044569, ClinGen allele CA16043124.

ClinVar aggregate classification (germline): Likely pathogenic (1 of 4 stars; one submission).

Submission:

GeneDx
Classification: Likely pathogenic. Last evaluated: 2015-04-20. Review status: criteria provided, single submitter. Criteria: GeneDx Variant Classification (06012015). Collection method: clinical testing. Allele origin: germline. Affected: yes.
Comment: The R66P variant has not been published as a pathogenic variant, nor has it been reported as a benign polymorphism to our knowledge. It was notobserved in approximately 6,500 individuals of European and African American ancestry in the NHLBIExome Sequencing Project, indicating it is not a common benign variant in these populations. The R66Pvariant is a non-conservative amino acid substitution, which is likely to impact secondary protein structureas these residues differ in polarity, charge, size and/or other properties. This substitution occurs at a highlyconserved position that is predicted to be within the highly conserved Head region of the GFAP protein. Insilico analysis predicts this variant is probably damaging to the protein structure/function. A missensevariant at the same position (R66Q), as well as missense variants in nearby residues have beenreported in the Human Gene Mutation Database in association with Alexander disease (Stenson et al.,2014), supporting the functional importance of this region of the protein. This is a strong candidatefor a pathogenic variant, however the possibility that it is a benign variant cannot be excluded.